The following is an entry in ClinVar:

ClinVar aggregate classification (germline): Uncertain significance. Review status: criteria provided, multiple submitters, no conflicts (2 of 4 stars). 2 submissions from 2 submitters: Uncertain significance (2). Last evaluated 2023-09-22.

Conditions:
Inborn genetic diseases. Identifiers: MedGen C0950123, MeSH D030342.

Allele frequency attached by ClinVar (database versions not stated): ExAC 0.00001; gnomAD exomes 0.00004.
gnomAD v4.1: 58 of 1,610,222 alleles (0.0036%); highest among the groups gnomAD compares: Admixed American, 0.0067%; no homozygotes.

Submissions (2):

Ambry Genetics
Classification: Uncertain significance for Inborn genetic diseases. Last evaluated: 2023-09-22. Review status: criteria provided, single submitter. Criteria: Ambry Variant Classification Scheme 2023. Collection method: clinical testing. Allele origin: germline.

CeGaT Center for Human Genetics Tuebingen
Classification: Uncertain significance. Last evaluated: 2023-05-01. Review status: criteria provided, single submitter. Criteria: CeGaT Center For Human Genetics Tuebingen Variant Classification Criteria Version 2. Collection method: clinical testing. Allele origin: germline. Affected: yes. Observed: 1 variant allele.
Comment: PKD1: PM2, BP4

NM_001009944.3(PKD1):c.5245G>A (p.Val1749Ile)

Gene: PKD1 (polycystin 1, transient receptor potential channel interacting; minus strand). Cytogenetic location: 16p13.3.
Variant type: single nucleotide variant.
Coding change: c.5245G>A on transcript NM_001009944.3 (MANE Select); coding-DNA position 5245, G replaced by A.
Protein change: p.Val1749Ile; replaces valine 1749 with isoleucine.
Molecular consequence: missense variant.
Genome position (GRCh38, 1-based): chr16:2,109,922, C>T on the plus strand (G>A on the coding strand, the complement: PKD1 is on the minus strand). VCF-style: chr16-2109922-C-T. GRCh37 (hg19) VCF-style: chr16-2159923-C-T.
Other names: c.5245G>A, p.Val1749Ile (NM_000296.4); c.5245G>A (NM_000296.3); short protein forms V1749I.
Identifiers: ClinVar variation 2646016 (VCV002646016.25), dbSNP rs765103218, ClinGen allele CA7832065.